The following is an entry in ClinVar:

NM_001077418.3(TMEM231):c.446C>T (p.Ala149Val)

Gene: TMEM231 (transmembrane protein 231; minus strand). Cytogenetic location: 16q23.1.
Variant type: single nucleotide variant.
Coding change: c.446C>T on transcript NM_001077418.3 (MANE Select); coding-DNA position 446, C replaced by T.
Protein change: p.Ala149Val; replaces alanine 149 with valine.
Molecular consequence: missense variant. On other transcripts: non-coding transcript variant (1).
Genome position (GRCh38, 1-based): chr16:75,545,488, G>A on the plus strand (C>T on the coding strand, the complement: TMEM231 is on the minus strand). VCF-style: chr16-75545488-G-A. GRCh37 (hg19) VCF-style: chr16-75579386-G-A.
Other names: c.605C>T, p.Ala202Val (NM_001077416.2); short protein forms A202V, A149V.
Identifiers: ClinVar variation 1385637 (VCV001385637.8), dbSNP rs750935858, ClinGen allele CA8176186.
Genomic context (GRCh38, chr16:75,545,488, plus strand): 5'-TGGGATCCCGGGACAGGAAAGGAGGACTGGAGAAACGCCATGCTCTGCATCACGAGGGTC[G>A]CCATCCTCTGAAATCATTAGAAGGACCAACAATACCAACCGCCATCAGATCTGAAGGGCT-3'
Protein context (NP_001070886.1, residues 139-159): LTFSYRLHRM[Ala149Val]TLVMQSMAFL

ClinVar aggregate classification (germline): Uncertain significance. Review status: criteria provided, multiple submitters, no conflicts (2 of 4 stars). 3 submissions from 3 submitters: Uncertain significance (3). Last evaluated 2024-05-14.

Conditions:
Joubert syndrome 20 (JBTS20). Identifiers: Orphanet 475, MedGen C3554235, MONDO:0013994, OMIM 614970.
Meckel syndrome, type 11 (MKS11). Identifiers: Orphanet 564, MedGen C3809352, MONDO:0014164, OMIM 615397.

Allele frequency attached by ClinVar (database versions not stated): gnomAD 0.00001; ExAC 0.00003; gnomAD exomes 0.00004.
gnomAD v4.1: 49 of 1,556,166 alleles (0.0031%); highest among the groups gnomAD compares: South Asian, 0.016%; no homozygotes.

Submissions (3):

GeneDx
Classification: Uncertain significance. Last evaluated: 2024-05-14. Review status: criteria provided, single submitter. Criteria: GeneDx Variant Classification Process June 2021. Collection method: clinical testing. Allele origin: germline. Affected: yes.
Comment: In silico analysis indicates that this missense variant does not alter protein structure/function; Has not been previously published as pathogenic or benign to our knowledge

Fulgent Genetics
Classification: Uncertain significance for Joubert syndrome 20; Meckel syndrome, type 11. Last evaluated: 2024-02-09. Review status: criteria provided, single submitter. Criteria: ACMG Guidelines, 2015. Collection method: clinical testing. Allele origin: germline.

Labcorp Genetics (formerly Invitae), Labcorp
Classification: Uncertain significance for Joubert syndrome 20; Meckel syndrome, type 11. Last evaluated: 2022-10-25. Review status: criteria provided, single submitter. Criteria: Invitae Variant Classification Sherloc (09022015). Collection method: clinical testing. Allele origin: germline.
Comment: In summary, the available evidence is currently insufficient to determine the role of this variant in disease. Therefore, it has been classified as a Variant of Uncertain Significance. Algorithms developed to predict the effect of missense changes on protein structure and function output the following: SIFT: "Tolerated"; PolyPhen-2: "Not Available"; Align-GVGD: "Class C0". The valine amino acid residue is found in multiple mammalian species, which suggests that this missense change does not adversely affect protein function. ClinVar contains an entry for this variant (Variation ID: 1385637). This variant has not been reported in the literature in individuals affected with TMEM231-related conditions. This variant is present in population databases (rs750935858, gnomAD 0.02%). This sequence change replaces alanine, which is neutral and non-polar, with valine, which is neutral and non-polar, at codon 202 of the TMEM231 protein (p.Ala202Val).